The following is an entry in ClinVar:

NM_001282116.2(RFX3):c.218G>T (p.Arg73Leu)

Gene: RFX3 (regulatory factor X3; minus strand). Cytogenetic location: 9p24.2.
Variant type: single nucleotide variant.
Coding change: c.218G>T on transcript NM_001282116.2 (MANE Select); coding-DNA position 218, G replaced by T.
Protein change: p.Arg73Leu; replaces arginine 73 with leucine.
Molecular consequence: missense variant.
Genome position (GRCh38, 1-based): chr9:3,330,515, C>A on the plus strand (G>T on the coding strand, the complement: RFX3 is on the minus strand). VCF-style: chr9-3330515-C-A. GRCh37 (hg19) VCF-style: chr9-3330515-C-A.
Other names: c.218G>T, p.Arg73Leu (NM_001282117.2, NM_001377999.1, NM_002919.4 and 1 more transcripts); short protein forms R73L.
Identifiers: ClinVar variation 3061459 (VCV003061459.2), dbSNP rs1290532258, ClinGen allele CA372842804.

ClinVar aggregate classification (germline): Uncertain significance (0 of 4 stars; one submission).

Conditions:
RFX3-related disorder. Also called: RFX3-related condition.

Submission:

PreventionGenetics, part of Exact Sciences
Classification: Uncertain significance for RFX3-related condition. Last evaluated: 2023-12-15. Review status: no assertion criteria provided. Collection method: clinical testing. Allele origin: germline.
Comment: The RFX3 c.218G>T variant is predicted to result in the amino acid substitution p.Arg73Leu. To our knowledge, this variant has not been reported in the literature or in a large population database, indicating this variant is rare. At this time, the clinical significance of this variant is uncertain due to the absence of conclusive functional and genetic evidence.